The following is an entry in ClinVar:

NM_152703.5(SAMD9L):c.1898G>C (p.Arg633Thr)

Gene: SAMD9L (sterile alpha motif domain containing 9 like; minus strand). Cytogenetic location: 7q21.2.
Variant type: single nucleotide variant.
Coding change: c.1898G>C on transcript NM_152703.5 (MANE Select); coding-DNA position 1898, G replaced by C.
Protein change: p.Arg633Thr; replaces arginine 633 with threonine.
Molecular consequence: missense variant.
Genome position (GRCh38, 1-based): chr7:93,134,074, C>G on the plus strand (G>C on the coding strand, the complement: SAMD9L is on the minus strand). VCF-style: chr7-93134074-C-G. GRCh37 (hg19) VCF-style: chr7-92763387-C-G.
Other names: c.1898G>C, p.Arg633Thr (NM_001303496.3, NM_001303497.3, NM_001303498.3 and 5 more transcripts); short protein forms R633T.
Identifiers: ClinVar variation 4159352 (VCV004159352.1).
Genomic context (GRCh38, chr7:93,134,074, plus strand): 5'-AAGACATCCTCTTTCTTTTTCTCTAGGATAACTGAAGAAGATCCACGGGCGGGCAAAAAC[C>G]TTCTTGATGACCGAGTCACCGATTTTAGTTTAAGGATAGTGCTGTTTACCAGTTCTATAT-3'
Protein context (NP_689916.2, residues 623-643): KLKSVTRSSR[Arg633Thr]FLPARGSSSV

ClinVar aggregate classification (germline): Uncertain significance (1 of 4 stars; one submission).

Conditions:
Inborn genetic diseases. Identifiers: MedGen C0950123, MeSH D030342.

Submission:

Ambry Genetics
Classification: Uncertain significance for Inborn genetic diseases. Last evaluated: 2025-07-25. Review status: criteria provided, single submitter. Criteria: Ambry Variant Classification Scheme 2023. Collection method: clinical testing. Allele origin: germline.
Comment: The p.R633T variant (also known as c.1898G>C), located in coding exon 1 of the SAMD9L gene, results from a G to C substitution at nucleotide position 1898. The arginine at codon 633 is replaced by threonine, an amino acid with similar properties. This amino acid position is conserved. In addition, this alteration is predicted to be tolerated by in silico analysis. Based on the available evidence, the clinical significance of this variant remains unclear.